The following is an entry in ClinVar:

NM_018417.6(ADCY10):c.3856C>T (p.Pro1286Ser)

Gene: ADCY10 (adenylate cyclase 10; minus strand). Cytogenetic location: 1q24.2.
Variant type: single nucleotide variant.
Coding change: c.3856C>T on transcript NM_018417.6 (MANE Select); coding-DNA position 3856, C replaced by T.
Protein change: p.Pro1286Ser; replaces proline 1286 with serine.
Molecular consequence: missense variant.
Genome position (GRCh38, 1-based): chr1:167,824,750, G>A on the plus strand (C>T on the coding strand, the complement: ADCY10 is on the minus strand). VCF-style: chr1-167824750-G-A. GRCh37 (hg19) VCF-style: chr1-167793988-G-A.
Other names: c.3397C>T, p.Pro1133Ser (NM_001167749.3); c.3580C>T, p.Pro1194Ser (NM_001297772.2); short protein forms P1133S, P1194S, P1286S.
Identifiers: ClinVar variation 2099652 (VCV002099652.4), dbSNP rs771201791, ClinGen allele CA1227227.

ClinVar aggregate classification (germline): Uncertain significance (1 of 4 stars; one submission).

Allele frequency attached by ClinVar (database versions not stated): gnomAD 0.00001; gnomAD exomes 0.00001; TOPMed 0.00001; ExAC 0.00002.
gnomAD v4.1: 5 of 1,614,082 alleles (0.00031%); highest among the groups gnomAD compares: East Asian, 0.011%; no homozygotes.

Submission:

Labcorp Genetics (formerly Invitae), Labcorp
Classification: Uncertain significance. Last evaluated: 2022-10-04. Review status: criteria provided, single submitter. Criteria: Invitae Variant Classification Sherloc (09022015). Collection method: clinical testing. Allele origin: germline.
Comment: In summary, the available evidence is currently insufficient to determine the role of this variant in disease. Therefore, it has been classified as a Variant of Uncertain Significance. Algorithms developed to predict the effect of missense changes on protein structure and function are either unavailable or do not agree on the potential impact of this missense change (SIFT: "Deleterious"; PolyPhen-2: "Probably Damaging"; Align-GVGD: "Class C0"). This variant has not been reported in the literature in individuals affected with ADCY10-related conditions. This variant is present in population databases (rs771201791, gnomAD 0.02%). This sequence change replaces proline, which is neutral and non-polar, with serine, which is neutral and polar, at codon 1286 of the ADCY10 protein (p.Pro1286Ser).